The following is an entry in ClinVar:

NM_005472.5(KCNE3):c.-40-334A>G

Gene: KCNE3 (potassium voltage-gated channel subfamily E regulatory subunit 3; minus strand). Cytogenetic location: 11q13.4.
Variant type: single nucleotide variant.
Coding change: c.-40-334A>G on transcript NM_005472.5 (MANE Select); 334 bases into the intron before 40 bases upstream of the start codon, A replaced by G.
Molecular consequence: intron variant.
Genome position (GRCh38, 1-based): chr11:74,457,937, T>C on the plus strand (A>G on the coding strand, the complement: KCNE3 is on the minus strand). VCF-style: chr11-74457937-T-C. GRCh37 (hg19) VCF-style: chr11-74168982-T-C.
Identifiers: ClinVar variation 683555 (VCV000683555.1), dbSNP rs655928, ClinGen allele CA224975690.
Genomic context (GRCh38, chr11:74,457,937, plus strand): 5'-AGTTCCCCTGCACCTGCTCTCTTGCCTGCCACTGTTTAAGATGTGCCTTTGCTCCTCCTT[T>C]GCCTTCTGCCGTGATTGTGAGGCCTACCCAGCCGTGTGGAACTGTGAGTCCATTAAACTT-3'

ClinVar aggregate classification (germline): Benign (1 of 4 stars; one submission).

Allele frequency attached by ClinVar (database versions not stated): TOPMed 0.95319; 1000 Genomes Project 30x 0.95331; gnomAD 0.95498 and 0.95817; 1000 Genomes Project 0.95727.
gnomAD v4.1: 145,985 of 152,286 alleles (96%); highest among the groups gnomAD compares: East Asian, 100%; 70,339 homozygotes.

Submission:

GeneDx
Classification: Benign. Last evaluated: 2018-06-19. Review status: criteria provided, single submitter. Criteria: GeneDx Variant Classification (06012015). Collection method: clinical testing. Allele origin: germline. Affected: yes.
Comment: This variant is considered likely benign or benign based on one or more of the following criteria: it is a conservative change, it occurs at a poorly conserved position in the protein, it is predicted to be benign by multiple in silico algorithms, and/or has population frequency not consistent with disease.